The following is an entry in ClinVar:

ClinVar aggregate classification (germline): Likely benign. Review status: criteria provided, multiple submitters, no conflicts (2 of 4 stars). 2 submissions from 2 submitters: Likely benign (2). Last evaluated 2024-09-01.

Conditions:
Inborn genetic diseases. Identifiers: MedGen C0950123, MeSH D030342.

Allele frequency attached by ClinVar (database versions not stated): gnomAD 0.00004; TOPMed 0.00005; ESP Exome Variant Server 0.00008; ExAC 0.00011.
gnomAD v4.1: 81 of 1,607,884 alleles (0.005%); highest among the groups gnomAD compares: Non-Finnish European, 0.0012%; no homozygotes.

Submissions (2):

CeGaT Center for Human Genetics Tuebingen
Classification: Likely benign. Last evaluated: 2024-09-01. Review status: criteria provided, single submitter. Criteria: CeGaT Center For Human Genetics Tuebingen Variant Classification Criteria Version 2. Collection method: clinical testing. Allele origin: germline. Affected: yes. Observed: 1 variant allele.
Comment: MAPK8IP3: BP4, BS1

Ambry Genetics
Classification: Likely benign for Inborn genetic diseases. Last evaluated: 2023-12-09. Review status: criteria provided, single submitter. Criteria: Ambry Variant Classification Scheme 2023. Collection method: clinical testing. Allele origin: germline.

NM_001318852.2(MAPK8IP3):c.2252G>C (p.Ser751Thr)

Gene: MAPK8IP3 (mitogen-activated protein kinase 8 interacting protein 3; plus strand). Cytogenetic location: 16p13.3.
Variant type: single nucleotide variant.
Coding change: c.2252G>C on transcript NM_001318852.2 (MANE Select); coding-DNA position 2252, G replaced by C.
Protein change: p.Ser751Thr; replaces serine 751 with threonine.
Molecular consequence: missense variant.
Genome position (GRCh38, 1-based): chr16:1,764,431, G>C. VCF-style: chr16-1764431-G-C. GRCh37 (hg19) VCF-style: chr16-1814432-G-C.
Other names: c.2231G>C, p.Ser744Thr (NM_001040439.2); c.2249G>C, p.Ser750Thr (NM_015133.5, NM_033392.3); short protein forms S750T, S751T, S744T.
Identifiers: ClinVar variation 3123324 (VCV003123324.15), dbSNP rs201443607, ClinGen allele CA7817183.
Genomic context (GRCh38, chr16:1,764,431, plus strand): 5'-AGCCAGCGCCAGGCCGCGATCCCCTGACCTGCGACCGCGAAGGAGACGGCGAGCCCAAGA[G>C]CGCCCACACGTCTCCCGAGAAGAAGAAGGTGAGCATGGCCGAGGCCACCGGGCACCCTCC-3'
Protein context (NP_001305781.1, residues 741-761): CDREGDGEPK[Ser751Thr]AHTSPEKKKA